The following is an entry in ClinVar:

NM_004168.4(SDHA):c.1616T>G (p.Ile539Ser)

Gene: SDHA (succinate dehydrogenase complex flavoprotein subunit A; plus strand). Cytogenetic location: 5p15.33.
Variant type: single nucleotide variant.
Coding change: c.1616T>G on transcript NM_004168.4 (MANE Select); coding-DNA position 1616, T replaced by G.
Protein change: p.Ile539Ser; replaces isoleucine 539 with serine.
Molecular consequence: missense variant. On other transcripts: intron variant (1).
Genome position (GRCh38, 1-based): chr5:251,056, T>G. VCF-style: chr5-251056-T-G. GRCh37 (hg19) VCF-style: chr5-251171-T-G.
Other names: c.1472T>G, p.Ile491Ser (NM_001294332.2); c.1552-3337T>G (NM_001330758.2); short protein forms I539S, I491S.
Identifiers: ClinVar variation 472346 (VCV000472346.14), dbSNP rs749219128, ClinGen allele CA3173305.

ClinVar aggregate classification (germline): Uncertain significance. Review status: criteria provided, multiple submitters, no conflicts (2 of 4 stars). 4 submissions from 4 submitters: Uncertain significance (4). Last evaluated 2025-12-14.

Conditions:
Mitochondrial complex II deficiency, nuclear type 1. Also called: SUCCINATE CoQ REDUCTASE DEFICIENCY. Identifiers: Orphanet 3208, MedGen C5700310, MONDO:0100294, OMIM 252011.
Pheochromocytoma/paraganglioma syndrome 5. Also called: Paragangliomas 5; SDHA-Related Hereditary Paraganglioma-Pheochromocytoma Syndrome. Identifiers: Orphanet 29072, MedGen C3279992, MONDO:0013602, OMIM 614165.
Dilated cardiomyopathy 1GG (CMD1GG). Identifiers: Orphanet 154, MedGen C3150898, MONDO:0013339, OMIM 613642.
Hereditary cancer-predisposing syndrome. Also called: Neoplastic Syndromes, Hereditary; Hereditary Cancer Syndrome; Hereditary neoplastic syndrome; Tumor predisposition. Identifiers: Orphanet 140162, MedGen C0027672, MeSH D009386, MONDO:0015356.

Allele frequency attached by ClinVar (database versions not stated): gnomAD exomes below 0.00001; ExAC 0.00001; TOPMed 0.00001.
gnomAD v4.1: 18 of 1,611,938 alleles (0.0011%); highest among the groups gnomAD compares: Non-Finnish European, 0.0014%; no homozygotes.

Submissions (4):

Labcorp Genetics (formerly Invitae), Labcorp
Classification: Uncertain significance for Pheochromocytoma/paraganglioma syndrome 5; Mitochondrial complex II deficiency, nuclear type 1. Last evaluated: 2025-12-14. Review status: criteria provided, single submitter. Criteria: Invitae Variant Classification Sherloc (09022015). Collection method: clinical testing. Allele origin: germline.
Comment: This sequence change replaces isoleucine, which is neutral and non-polar, with serine, which is neutral and polar, at codon 539 of the SDHA protein (p.Ile539Ser). This variant is present in population databases (rs749219128, gnomAD 0.0009%). This variant has not been reported in the literature in individuals affected with SDHA-related conditions. ClinVar contains an entry for this variant (Variation ID: 472346). Invitae Evidence Modeling of protein sequence and biophysical properties (such as structural, functional, and spatial information, amino acid conservation, physicochemical variation, residue mobility, and thermodynamic stability) has been performed for this missense variant. However, the output from this modeling did not meet the statistical confidence thresholds required to predict the impact of this variant on SDHA protein function. In summary, the available evidence is currently insufficient to determine the role of this variant in disease. Therefore, it has been classified as a Variant of Uncertain Significance.

Ambry Genetics
Classification: Uncertain significance for Hereditary cancer-predisposing syndrome. Last evaluated: 2025-01-06. Review status: criteria provided, single submitter. Criteria: Ambry Variant Classification Scheme 2023. Collection method: clinical testing. Allele origin: germline.
Comment: The p.I539S variant (also known as c.1616T>G), located in coding exon 12 of the SDHA gene, results from a T to G substitution at nucleotide position 1616. The isoleucine at codon 539 is replaced by serine, an amino acid with dissimilar properties. This amino acid position is not well conserved in available vertebrate species. In addition, this alteration is predicted to be deleterious by in silico analysis. Based on the available evidence, the clinical significance of this variant remains unclear.

GeneDx
Classification: Uncertain significance. Last evaluated: 2024-02-21. Review status: criteria provided, single submitter. Criteria: GeneDx Variant Classification Process June 2021. Collection method: clinical testing. Allele origin: germline. Affected: yes.
Comment: Not observed at significant frequency in large population cohorts (gnomAD); In silico analysis supports that this missense variant has a deleterious effect on protein structure/function; Has not been previously published as pathogenic or benign to our knowledge

Baylor Genetics
Classification: Uncertain significance for Dilated cardiomyopathy 1GG. Last evaluated: 2024-02-07. Review status: criteria provided, single submitter. Criteria: ACMG Guidelines, 2015. Collection method: clinical testing. Allele origin: unknown.